The following is an entry in ClinVar:

NM_033109.5(PNPT1):c.1938G>A (p.Thr646=)

Gene: PNPT1 (polyribonucleotide nucleotidyltransferase 1; minus strand). Cytogenetic location: 2p16.1.
Variant type: single nucleotide variant.
Coding change: c.1938G>A on transcript NM_033109.5 (MANE Select); coding-DNA position 1938, G replaced by A.
Protein change: p.Thr646=; no amino-acid change (threonine 646 retained).
Molecular consequence: synonymous variant.
Genome position (GRCh38, 1-based): chr2:55,643,394, C>T on the plus strand (G>A on the coding strand, the complement: PNPT1 is on the minus strand). VCF-style: chr2-55643394-C-T. GRCh37 (hg19) VCF-style: chr2-55870529-C-T.
Other names: p.T646T:ACG>ACA.
Identifiers: ClinVar variation 138740 (VCV000138740.47), dbSNP rs201681772, ClinGen allele CA292821.
Genomic context (GRCh38, chr2:55,643,394, plus strand): 5'-TTCAGTAATGAAGTCTCTTGCCTCATGCATAGCACTGGGTGTTGGTGCAAATACAGAAAA[C>T]GTTTCTTCATCCACCTGACTAATAGTTACACCTTTTAAAAACAAAATGTAACATATTAAA-3'
Protein context (NP_149100.2, residues 636-656): GVTISQVDEE[Thr646=]FSVFAPTPSA

ClinVar aggregate classification (germline): Benign/Likely benign. Review status: criteria provided, multiple submitters, no conflicts (2 of 4 stars). 4 submissions from 4 submitters: Benign (2); Likely benign (2). Last evaluated 2026-09-01.

Allele frequency attached by ClinVar (database versions not stated): 1000 Genomes Project 30x 0.00016; 1000 Genomes Project 0.00020; ESP Exome Variant Server 0.00062; gnomAD 0.00076 and 0.00078; TOPMed 0.00079; gnomAD exomes 0.00090; ExAC 0.00100.
gnomAD v4.1: 1,358 of 1,614,020 alleles (0.084%); highest among the groups gnomAD compares: Non-Finnish European, 0.094%; 3 homozygotes.

Submissions (4):

CeGaT Center for Human Genetics Tuebingen
Classification: Likely benign. Last evaluated: 2026-09-01. Review status: criteria provided, single submitter. Criteria: CeGaT Center For Human Genetics Tuebingen Variant Classification Criteria Version 2. Collection method: clinical testing. Allele origin: germline. Affected: yes. Observed: 9 variant alleles.
Comment: PNPT1: BP4, BP7

Labcorp Genetics (formerly Invitae), Labcorp
Classification: Benign. Last evaluated: 2026-02-03. Review status: criteria provided, single submitter. Criteria: Invitae Variant Classification Sherloc (09022015). Collection method: clinical testing. Allele origin: germline.

Blueprint Genetics
Classification: Likely benign. Last evaluated: 2024-11-26. Review status: criteria provided, single submitter. Criteria: ACMG Guidelines, 2015. Collection method: clinical testing. Allele origin: germline.

GeneDx
Classification: Benign. Last evaluated: 2014-06-03. Review status: criteria provided, single submitter. Criteria: GeneDx Variant Classification (06012015). Collection method: clinical testing. Allele origin: germline. Affected: yes.
Comment: This variant is considered likely benign or benign based on one or more of the following criteria: it is a conservative change, it occurs at a poorly conserved position in the protein, it is predicted to be benign by multiple in silico algorithms, and/or has population frequency not consistent with disease.